The following is an entry in ClinVar:

ClinVar aggregate classification (germline): Uncertain significance (1 of 4 stars; one submission).

Submission:

Labcorp Genetics (formerly Invitae), Labcorp
Classification: Uncertain significance. Last evaluated: 2023-02-20. Review status: criteria provided, single submitter. Criteria: Invitae Variant Classification Sherloc (09022015). Collection method: clinical testing. Allele origin: germline.
Comment: In summary, the available evidence is currently insufficient to determine the role of this variant in disease. Therefore, it has been classified as a Variant of Uncertain Significance. Experimental studies and prediction algorithms are not available or were not evaluated, and the functional significance of this variant is currently unknown. This variant has not been reported in the literature in individuals affected with ERCC6L2-related conditions. This variant is not present in population databases (gnomAD no frequency). This sequence change replaces lysine, which is basic and polar, with glutamine, which is neutral and polar, at codon 1473 of the ERCC6L2 protein (p.Lys1473Gln).

NM_020207.7(ERCC6L2):c.4384A>C (p.Lys1462Gln)

Gene: ERCC6L2 (ERCC excision repair 6 like 2; plus strand). Cytogenetic location: 9q22.32.
Variant type: single nucleotide variant.
Coding change: c.4384A>C on transcript NM_020207.7 (MANE Select); coding-DNA position 4384, A replaced by C.
Protein change: p.Lys1462Gln; replaces lysine 1462 with glutamine.
Molecular consequence: missense variant. On other transcripts: non-coding transcript variant (1), intron variant (2).
Genome position (GRCh38, 1-based): chr9:96,012,934, A>C. VCF-style: chr9-96012934-A-C. GRCh37 (hg19) VCF-style: chr9-98775216-A-C.
Other names: c.3674+8233A>C (NM_001375291.1, NM_001375292.1); short protein forms K1462Q.
Identifiers: ClinVar variation 2839174 (VCV002839174.3), dbSNP rs2490776026, ClinGen allele CA466123399.
Genomic context (GRCh38, chr9:96,012,934, plus strand): 5'-ACCTCTATTCTTGATGACCTTTTTAAAAGTCATGGGAACAGTCCCACACAACTGCCAAAG[A>C]AAGTTCTTTCAGGGCCCATGGAAAAAGCAAAACAGAGACCAAAAGATTTCTGGGACATCT-3'
Protein context (NP_064592.3, residues 1452-1472): HGNSPTQLPK[Lys1462Gln]VLSGPMEKAK